The following is an entry in ClinVar:

NM_004385.5(VCAN):c.4004-3C>A

Genes: VCAN (versican; plus strand), VCAN-AS1 (VCAN antisense RNA 1; minus strand). Cytogenetic location: 5q14.3.
Variant type: single nucleotide variant.
Coding change: c.4004-3C>A on transcript NM_004385.5 (MANE Select); 3 bases into the intron before coding-DNA position 4004, C replaced by A.
Molecular consequence: intron variant.
Genome position (GRCh38, 1-based): chr5:83,537,004, C>A. VCF-style: chr5-83537004-C-A. GRCh37 (hg19) VCF-style: chr5-82832823-C-A.
Other names: c.4004-8533C>A (NM_001164098.2); c.1043-3C>A (NM_001164097.2); c.1043-8533C>A (NM_001126336.3).
Identifiers: ClinVar variation 1371395 (VCV001371395.6), dbSNP rs1333294034, ClinGen allele CA2573140121.
Genomic context (GRCh38, chr5:83,537,004, plus strand): 5'-TTTCTTCTGTCATACACTGCCAAATTTTCTATTTAAGTATTGTGAAAACTCTGTTTTTTT[C>A]AGGTCGAATGAGTGATTTGAGTGTAATTGGTCATCCAATAGATTCAGAATCTAAAGAAGA-3'

ClinVar aggregate classification (germline): Uncertain significance (1 of 4 stars; one submission).

Submission:

Labcorp Genetics (formerly Invitae), Labcorp
Classification: Uncertain significance. Last evaluated: 2025-04-28. Review status: criteria provided, single submitter. Criteria: Invitae Variant Classification Sherloc (09022015). Collection method: clinical testing. Allele origin: germline.
Comment: This sequence change falls in intron 7 of the VCAN gene. It does not directly change the encoded amino acid sequence of the VCAN protein. It affects a nucleotide within the consensus splice site. This variant is not present in population databases (gnomAD no frequency). This variant has been observed in individual(s) with clinical features of retinitis pigmentosa (internal data). ClinVar contains an entry for this variant (Variation ID: 1371395). Variants that disrupt the consensus splice site are a relatively common cause of aberrant splicing (PMID: 17576681, 9536098). Algorithms developed to predict the effect of sequence changes on RNA splicing suggest that this variant may create or strengthen a splice site. In summary, the available evidence is currently insufficient to determine the role of this variant in disease. Therefore, it has been classified as a Variant of Uncertain Significance.

Literature cited by the submitters: PubMed 17576681; PubMed 9536098.